The following is an entry in ClinVar:

NM_005618.4(DLL1):c.1465C>T (p.Pro489Ser)

Gene: DLL1 (delta like canonical Notch ligand 1; minus strand). Cytogenetic location: 6q27.
Variant type: single nucleotide variant.
Coding change: c.1465C>T on transcript NM_005618.4 (MANE Select); coding-DNA position 1465, C replaced by T.
Protein change: p.Pro489Ser; replaces proline 489 with serine.
Molecular consequence: missense variant.
Genome position (GRCh38, 1-based): chr6:170,283,814, G>A on the plus strand (C>T on the coding strand, the complement: DLL1 is on the minus strand). VCF-style: chr6-170283814-G-A. GRCh37 (hg19) VCF-style: chr6-170592902-G-A.
Other names: short protein forms P489S.
Identifiers: ClinVar variation 5009056 (VCV005009056.1).

ClinVar aggregate classification (germline): Uncertain significance (1 of 4 stars; one submission).

Submission:

GeneDx
Classification: Uncertain significance. Last evaluated: 2026-03-17. Review status: criteria provided, single submitter. Criteria: GeneDx Variant Classification Process June 2021. Collection method: clinical testing. Allele origin: germline.
Comment: Not observed at significant frequency in large population cohorts (gnomAD); In silico analysis supports that this missense variant has a deleterious effect on protein structure/function; Has not been previously published as pathogenic or benign to our knowledge